The following is an entry in ClinVar:

ClinVar aggregate classification (germline): Uncertain significance (1 of 4 stars; one submission).

Conditions:
Bloom syndrome (BLM). Also called: Bloom-Torre-Machacek syndrome. Identifiers: Orphanet 125, MedGen C0005859, MONDO:0008876, OMIM 210900.

Submission:

Labcorp Genetics (formerly Invitae), Labcorp
Classification: Uncertain significance for Bloom syndrome. Last evaluated: 2019-05-20. Review status: criteria provided, single submitter. Criteria: Invitae Variant Classification Sherloc (09022015). Collection method: clinical testing. Allele origin: germline.
Comment: A gross duplication of the genomic region encompassing the full coding sequence of the BLM gene has been identified. The boundaries of this event are unknown as the duplication extends beyond the assayed region for this gene and therefore may encompass additional genes. As the precise location of this duplication is unknown, it may be in tandem or it may be located elsewhere in the genome. This variant has not been reported in the literature in individuals with BLM-related disease. In summary, the available evidence is currently insufficient to determine the role of this variant in disease. Therefore, it has been classified as a Variant of Uncertain Significance.

NC_000015.9:g.(?_91290617)_(91358515_?)dup

Genes: BLM (BLM RecQ like helicase; plus strand), LOC130057935 (ATAC-STARR-seq lymphoblastoid silent region 6827; plus strand). Cytogenetic location: 15q26.1.
Variant type: Duplication.
Identifiers: ClinVar variation 524849 (VCV000524849.4).